The following is an entry in ClinVar:

ClinVar aggregate classification (germline): Uncertain significance (1 of 4 stars; one submission).

Conditions:
Brugada syndrome 8 (BRGDA8). Identifiers: Orphanet 130, MedGen C2751083, MONDO:0013148, OMIM 613123.

Allele frequency attached by ClinVar (database versions not stated): 1000 Genomes Project 30x 0.00016.
gnomAD v4.1: 11 of 1,478,960 alleles (0.00074%); highest among the groups gnomAD compares: East Asian, 0.0029%; no homozygotes.

Submission:

Labcorp Genetics (formerly Invitae), Labcorp
Classification: Uncertain significance for Brugada syndrome 8. Last evaluated: 2024-11-26. Review status: criteria provided, single submitter. Criteria: Invitae Variant Classification Sherloc (09022015). Collection method: clinical testing. Allele origin: germline.
Comment: This sequence change replaces leucine, which is neutral and non-polar, with phenylalanine, which is neutral and non-polar, at codon 72 of the HCN4 protein (p.Leu72Phe). This variant is not present in population databases (gnomAD no frequency). This variant has not been reported in the literature in individuals affected with HCN4-related conditions. ClinVar contains an entry for this variant (Variation ID: 1349686). Invitae Evidence Modeling of protein sequence and biophysical properties (such as structural, functional, and spatial information, amino acid conservation, physicochemical variation, residue mobility, and thermodynamic stability) indicates that this missense variant is not expected to disrupt HCN4 protein function with a negative predictive value of 95%. In summary, the available evidence is currently insufficient to determine the role of this variant in disease. Therefore, it has been classified as a Variant of Uncertain Significance.

NM_005477.3(HCN4):c.214C>T (p.Leu72Phe)

Gene: HCN4 (hyperpolarization activated cyclic nucleotide gated potassium channel 4; minus strand). Cytogenetic location: 15q24.1.
Variant type: single nucleotide variant.
Coding change: c.214C>T on transcript NM_005477.3 (MANE Select); coding-DNA position 214, C replaced by T.
Protein change: p.Leu72Phe; replaces leucine 72 with phenylalanine.
Molecular consequence: missense variant.
Genome position (GRCh38, 1-based): chr15:73,368,057, G>A on the plus strand (C>T on the coding strand, the complement: HCN4 is on the minus strand). VCF-style: chr15-73368057-G-A. GRCh37 (hg19) VCF-style: chr15-73660398-G-A.
Other names: short protein forms L72F.
Identifiers: ClinVar variation 1349686 (VCV001349686.7), dbSNP rs2043137832, ClinGen allele CA393098694.